The following is an entry in ClinVar:

ClinVar aggregate classification (germline): Uncertain significance (1 of 4 stars; one submission).

Submission:

Labcorp Genetics (formerly Invitae), Labcorp
Classification: Uncertain significance. Last evaluated: 2025-11-18. Review status: criteria provided, single submitter. Criteria: Invitae Variant Classification Sherloc (09022015). Collection method: clinical testing. Allele origin: germline.
Comment: This sequence change replaces alanine, which is neutral and non-polar, with threonine, which is neutral and polar, at codon 1065 of the MSH3 protein (p.Ala1065Thr). This variant is not present in population databases (gnomAD no frequency). This variant has not been reported in the literature in individuals affected with MSH3-related conditions. An algorithm developed to predict the effect of missense changes on protein structure and function (PolyPhen-2) suggests that this variant is likely to be tolerated. In summary, the available evidence is currently insufficient to determine the role of this variant in disease. Therefore, it has been classified as a Variant of Uncertain Significance.

NM_002439.5(MSH3):c.3193G>A (p.Ala1065Thr)

Gene: MSH3 (mutS homolog 3; plus strand). Cytogenetic location: 5q14.1.
Variant type: single nucleotide variant.
Coding change: c.3193G>A on transcript NM_002439.5 (MANE Select); coding-DNA position 3193, G replaced by A.
Protein change: p.Ala1065Thr; replaces alanine 1065 with threonine.
Molecular consequence: missense variant.
Genome position (GRCh38, 1-based): chr5:80,873,178, G>A. VCF-style: chr5-80873178-G-A. GRCh37 (hg19) VCF-style: chr5-80168997-G-A.
Other names: short protein forms A1065T.
Identifiers: ClinVar variation 4731478 (VCV004731478.1).